The following is an entry in ClinVar:

ClinVar aggregate classification (germline): Pathogenic/Likely pathogenic. Review status: criteria provided, multiple submitters, no conflicts (2 of 4 stars). 12 submissions from 12 submitters: Pathogenic (7); Likely pathogenic (3). 2 of the submissions do not count toward it. Last evaluated 2025-09-24.

Conditions:
Imerslund-Grasbeck syndrome type 1 (IGS1). Also called: MEGALOBLASTIC ANEMIA, 1; Imerslund-Gräsbeck syndrome 1; Megaloblastic anemia 1, Finnish type. Identifiers: MedGen C4016819, MONDO:0100156, OMIM 261100.
Proteinuria, chronic benign. Identifiers: MedGen C5394384, MONDO:0030042, OMIM 618884.
CUBN-related disorder. Also called: CUBN-related condition.
CUBN-related disorders.
Autosomal recessive CUBN-related disorders.
Imerslund-Grasbeck syndrome. Also called: PERNICIOUS ANEMIA, JUVENILE, DUE TO SELECTIVE INTESTINAL MALABSORPTION OF VITAMIN B12, WITH PROTEINURIA; Megaloblastic anemia due to inborn errors of metabolism; Imerslund-Gräsbeck syndrome; ENTEROCYTE COBALAMIN MALABSORPTION; ENTEROCYTE INTRINSIC FACTOR RECEPTOR, DEFECT OF. Identifiers: Orphanet 35858, MedGen C4551825, MONDO:0009853.

Allele frequency attached by ClinVar (database versions not stated): TOPMed 0.00002; gnomAD 0.00003.
gnomAD v4.1: 31 of 1,613,998 alleles (0.0019%); highest among the groups gnomAD compares: East Asian, 0.0089%; 1 homozygote.

Submissions (12):

Genesolutions, Medical Genetics Institutes, Ho Chi Minh City, Vietnam
Classification: Pathogenic for Imerslund-Grasbeck syndrome type 1. Last evaluated: 2025-09-24. Review status: criteria provided, single submitter. Criteria: ACMG Guidelines, 2015. Collection method: clinical testing. Allele origin: germline. Affected: yes.

Variantyx, Inc.
Classification: Likely pathogenic for Autosomal recessive CUBN-related disorders. Last evaluated: 2025-09-08. Review status: criteria provided, single submitter. Criteria: Variantyx Assertion Criteria 2022. Collection method: clinical testing. Allele origin: germline. Inheritance: Autosomal recessive inheritance. Affected: yes.
Comment: This is a nonsense variant in the CUBN gene (OMIM: 602997). Pathogenic variants in this gene have been associated with autosomal recessive CUBN-related disorders.This variant introduces a premature termination codon in exon 40 out of 67 and is expected to result in loss of function, which is a known disease mechanism for CUBN in this disorder (PMID: 10080186, 15024727, 24156255) (PVS1). This variant has been reported in at least 2 affected individuals who carried a second variant in this gene; however, the phase of these variants could not be determined (PMID: 31613795, 35064937). This variant has a 0.0089% maximum allele frequency in non-founder control populations (PM2). Based on the current evidence, this variant is classified as likely pathogenic for autosomal recessive CUBN-related disorders.

Victorian Clinical Genetics Services, Murdoch Childrens Research Institute
Classification: Pathogenic for Proteinuria, chronic benign. Last evaluated: 2025-07-17. Review status: criteria provided, single submitter. Criteria: ACMG Guidelines, 2015. Collection method: clinical testing. Allele origin: germline. Affected: yes.
Comment: This variant is classified as Pathogenic. Evidence in support of pathogenic classification: Variant is predicted to cause nonsense-mediated decay (NMD) and loss of protein (premature termination codon is located at least 54 nucleotides upstream of the final exon-exon junction); Variant is present in gnomAD <0.01 for a recessive condition (v4: 29 heterozygote(s), 1 homozygote(s)); This variant has strong previous evidence of pathogenicity in unrelated individuals. This variant has been classified as likely pathogenic/pathogenic by multiple clinical laboratories in Clinvar. Additionally, it has been reported in the literature in two individuals with kidney disease with the p.(Arg1810*) variant, with and without segregation (PMID: 31613795, 35064937). However, in one of these individuals these two variants were confirmed to be in cis by parental segregation (ClinVar); Other NMD-predicted variant(s) comparable to the one identified in this case have very strong previous evidence for pathogenicity (ClinVar). Additional information: This variant is heterozygous; This gene is associated with autosomal recessive disease; Loss of function is a known mechanism of disease in this gene and is associated with Loss of function is a known mechanism of disease in this gene and is associated with proteinuria, chronic benign MIM#618884 and Imerslund-Grasbeck syndrome 1 MIM#261100. Variants downstream of the vitamin B12/IF-binding domain are associated with isolated proteinuria (PMID: 31613795); Inheritance information for this variant is not currently available in this individual.

Labcorp Genetics (formerly Invitae), Labcorp
Classification: Pathogenic for Imerslund-Grasbeck syndrome. Last evaluated: 2025-05-30. Review status: criteria provided, single submitter. Criteria: Invitae Variant Classification Sherloc (09022015). Collection method: clinical testing. Allele origin: germline.
Comment: This sequence change creates a premature translational stop signal (p.Arg2030*) in the CUBN gene. It is expected to result in an absent or disrupted protein product. Loss-of-function variants in CUBN are known to be pathogenic (PMID: 15024727, 22929189, 25349199, 31613795, 34979989). This variant is present in population databases (rs374417889, gnomAD 0.02%). This premature translational stop signal has been observed in individual(s) with clinical features of CUBN-related conditions (PMID: 31613795; internal data). ClinVar contains an entry for this variant (Variation ID: 829936). For these reasons, this variant has been classified as Pathogenic.

3billion
Classification: Pathogenic for Imerslund-Grasbeck syndrome type 1. Last evaluated: 2024-12-26. Review status: criteria provided, single submitter. Criteria: ACMG Guidelines, 2015. Collection method: clinical testing. Allele origin: germline. Affected: yes.
Comment: The variant is observed at an extremely low frequency in the gnomAD v4.1.0 dataset (total allele frequency: 0.002%). Predicted Consequence/Location: Stop-gained (nonsense): predicted to result in a loss or disruption of normal protein function through nonsense-mediated decay (NMD) or protein truncation. Multiple pathogenic variants are reported downstream of the variant. The variant has been reported at least twice as pathogenic with clinical assertions and evidence for the classification (ClinVar ID: VCV000829936 /PMID: 31613795 /3billion dataset). Therefore, this variant is classified as Pathogenic according to the recommendation of ACMG/AMP guideline.

Blueprint Genetics
Classification: Likely pathogenic for CUBN-related disorders. Last evaluated: 2024-09-14. Review status: criteria provided, single submitter. Criteria: ACMG Guidelines, 2015. Collection method: clinical testing. Allele origin: germline. Affected: yes. Observed: 5 variant alleles.

GeneDx
Classification: Pathogenic. Last evaluated: 2024-08-05. Review status: criteria provided, single submitter. Criteria: GeneDx Variant Classification Process June 2021. Collection method: clinical testing. Allele origin: germline. Affected: yes.
Comment: Identified with a second variant in unrelated patients with kidney disease in published literature (PMID: 31613795, 35064937); Nonsense variant predicted to result in protein truncation or nonsense mediated decay in a gene for which loss of function is a known mechanism of disease; Not observed at significant frequency in large population cohorts (gnomAD); This variant is associated with the following publications: (PMID: 15024727, 31613795, 22929189, 35064937)

Fulgent Genetics
Classification: Likely pathogenic for Imerslund-Grasbeck syndrome type 1; Proteinuria, chronic benign. Last evaluated: 2024-01-13. Review status: criteria provided, single submitter. Criteria: ACMG Guidelines, 2015. Collection method: clinical testing. Allele origin: germline.

Revvity Omics, Revvity
Classification: Pathogenic. Last evaluated: 2023-06-19. Review status: criteria provided, single submitter. Criteria: ACMG Guidelines, 2015. Collection method: clinical testing. Allele origin: germline.

Juno Genomics, Hangzhou Juno Genomics, Inc
Classification: Pathogenic for Proteinuria, chronic benign; Imerslund-Grasbeck syndrome type 1. Review status: criteria provided, single submitter. Criteria: ACMG Guidelines, 2015. Collection method: clinical testing. Allele origin: germline.
Comment: Absent from controls (or at extremely low frequency if recessive) in Genome Aggregation Database.;Null variant in a gene where loss of function (LOF) is a known mechanism of disease.;For recessive disorders, detected in trans with a pathogenic variant.

PreventionGenetics, part of Exact Sciences
Classification: Pathogenic for CUBN-related condition. Last evaluated: 2023-11-29. Review status: no assertion criteria provided. Collection method: clinical testing. Allele origin: germline. Not counted in ClinVar's aggregate classification.
Comment: The CUBN c.6088C>T variant is predicted to result in premature protein termination (p.Arg2030*). This variant was reported with a second CUBN variant in two patients with kidney disease; however, phase of the variants was not determined (Supp. Table 2 in Bedin et al. 2020. PubMed ID: 31613795). Of note, the c.6088C>T has been reported with the c.5428C>T (p.Arg1810*) variant in two patients in the literature, but segregation analysis was not completed to determine phase (Family 21, Supp Table 2 in Bedin et al. 2020. PubMed ID: 31613795; Case #20, Supp. Table 3 in Lu L et al 2022. PubMed ID: 35064937). At PreventionGenetics, we have observed the c.6088C>T and c.5428C>T variants to occur on the same allele (cis phase) based on parental follow up testing (internal data). This variant is reported in 0.015% of alleles in individuals of East Asian descent in gnomAD, including one homozygous individual. Nonsense variants in CUBN are expected to be pathogenic. This variant is interpreted as pathogenic.

Bioscientia Institut fuer Medizinische Diagnostik GmbH, Sonic Healthcare
Classification: Likely pathogenic for Imerslund-Grasbeck syndrome type 1. Last evaluated: 2019-03-19. Review status: no assertion criteria provided. Collection method: clinical testing. Allele origin: germline. Affected: yes. Not counted in ClinVar's aggregate classification.

Literature cited by the submitters: PubMed 31613795 (cited by 4 submitters); PubMed 35064937 (cited by Variantyx, Inc. and Victorian Clinical Genetics Services, Murdoch Childrens Research Institute); PubMed 15024727 (cited by Labcorp Genetics (formerly Invitae), Labcorp); PubMed 22929189 (cited by Labcorp Genetics (formerly Invitae), Labcorp); PubMed 25349199 (cited by Labcorp Genetics (formerly Invitae), Labcorp); PubMed 34979989 (cited by Labcorp Genetics (formerly Invitae), Labcorp).

NM_001081.4(CUBN):c.6088C>T (p.Arg2030Ter)

Gene: CUBN (cubilin; minus strand). Cytogenetic location: 10p13.
Variant type: single nucleotide variant.
Coding change: c.6088C>T on transcript NM_001081.4 (MANE Select); coding-DNA position 6088, C replaced by T.
Protein change: p.Arg2030Ter; replaces arginine 2030 with a stop codon.
Molecular consequence: nonsense.
Genome position (GRCh38, 1-based): chr10:16,933,123, G>A on the plus strand (C>T on the coding strand, the complement: CUBN is on the minus strand). VCF-style: chr10-16933123-G-A. GRCh37 (hg19) VCF-style: chr10-16975122-G-A.
Other names: short protein forms R2030*.
Identifiers: ClinVar variation 829936 (VCV000829936.25), dbSNP rs374417889, ClinGen allele CA5423816.